The following is an entry in ClinVar:

NM_182961.4(SYNE1):c.12914A>T (p.His4305Leu)

Gene: SYNE1 (spectrin repeat containing nuclear envelope protein 1; minus strand). Cytogenetic location: 6q25.2.
Variant type: single nucleotide variant.
Coding change: c.12914A>T on transcript NM_182961.4 (MANE Select); coding-DNA position 12914, A replaced by T.
Protein change: p.His4305Leu; replaces histidine 4305 with leucine.
Molecular consequence: missense variant.
Genome position (GRCh38, 1-based): chr6:152,331,771, T>A on the plus strand (A>T on the coding strand, the complement: SYNE1 is on the minus strand). VCF-style: chr6-152331771-T-A. GRCh37 (hg19) VCF-style: chr6-152652906-T-A.
Other names: c.12701A>T, p.His4234Leu (NM_033071.5); short protein forms H4305L, H4234L.
Identifiers: ClinVar variation 1980791 (VCV001980791.4), dbSNP rs1384034112, ClinGen allele CA366104814.
Genomic context (GRCh38, chr6:152,331,771, plus strand): 5'-CAACGTTGCTCTAAATGACTCGTCTGTTCTTTGACTAACTCCTTGTCATCTAAATTCAGA[T>A]GCTCTATCATTTTCTGCTTTTGATCTTTCAGATCTTCAATAGCATACTTTCTCTCCTGCA-3'
Protein context (NP_892006.3, residues 4295-4315): LKDQKQKMIE[His4305Leu]LNLDDKELVK

ClinVar aggregate classification (germline): Uncertain significance (1 of 4 stars; one submission).

Conditions:
Emery-Dreifuss muscular dystrophy 4, autosomal dominant (EDMD4). Also called: EMERY-DREIFUSS MUSCULAR DYSTROPHY 4 WITH VARIABLE FEATURES. Identifiers: Orphanet 261, MedGen C2751807, MONDO:0013071, OMIM 612998.
Autosomal recessive ataxia, Beauce type. Also called: SYNE1 Deficiency; Spinocerebellar ataxia, autosomal recessive 8; ATAXIA, RECESSIVE, OF BEAUCE; SYNE1-Related Autosomal Recessive Cerebellar Ataxia. Identifiers: Orphanet 88644, MedGen C1853116, MONDO:0012549, OMIM 610743.

Allele frequency attached by ClinVar (database versions not stated): gnomAD exomes 0.00001.
gnomAD v4.1: 13 of 1,614,228 alleles (0.00081%); highest among the groups gnomAD compares: East Asian, 0.0067%; no homozygotes.

Submission:

Labcorp Genetics (formerly Invitae), Labcorp
Classification: Uncertain significance for Emery-Dreifuss muscular dystrophy 4, autosomal dominant; Autosomal recessive ataxia, Beauce type. Last evaluated: 2022-02-08. Review status: criteria provided, single submitter. Criteria: Invitae Variant Classification Sherloc (09022015). Collection method: clinical testing. Allele origin: germline.
Comment: This variant has not been reported in the literature in individuals affected with SYNE1-related conditions. In summary, the available evidence is currently insufficient to determine the role of this variant in disease. Therefore, it has been classified as a Variant of Uncertain Significance. Algorithms developed to predict the effect of missense changes on protein structure and function (SIFT, PolyPhen-2, Align-GVGD) all suggest that this variant is likely to be disruptive. This variant is present in population databases (no rsID available, gnomAD 0.006%). This sequence change replaces histidine, which is basic and polar, with leucine, which is neutral and non-polar, at codon 4234 of the SYNE1 protein (p.His4234Leu).